The following is an entry in ClinVar:

ClinVar aggregate classification (germline): Pathogenic. Review status: criteria provided, single submitter (1 of 4 stars). 2 submissions from 2 submitters: Pathogenic (1). 1 of the submissions does not count toward it. Last evaluated 2023-11-27.

Conditions:
SCN4A-related non-dystrophic myotonia.
Hyperkalemic periodic paralysis. Also called: Familial hyperkalemic periodic paralysis; Gamstorp disease. Identifiers: Orphanet 682, MedGen C0238357, MONDO:0008224, OMIM 170500, HP:0007215.

Submissions (2):

Labcorp Genetics (formerly Invitae), Labcorp
Classification: Pathogenic for Hyperkalemic periodic paralysis. Last evaluated: 2023-11-27. Review status: criteria provided, single submitter. Criteria: Invitae Variant Classification Sherloc (09022015). Collection method: clinical testing. Allele origin: germline.
Comment: This sequence change replaces alanine, which is neutral and non-polar, with aspartic acid, which is acidic and polar, at codon 1481 of the SCN4A protein (p.Ala1481Asp). This variant is not present in population databases (gnomAD no frequency). This missense change has been observed in individual(s) with SCN4A-related conditions (PMID: 17212350; Invitae). In at least one individual the variant was observed to be de novo. It has also been observed to segregate with disease in related individuals. ClinVar contains an entry for this variant (Variation ID: 576206). Advanced modeling of protein sequence and biophysical properties (such as structural, functional, and spatial information, amino acid conservation, physicochemical variation, residue mobility, and thermodynamic stability) performed at Invitae indicates that this missense variant is expected to disrupt SCN4A protein function with a positive predictive value of 95%. For these reasons, this variant has been classified as Pathogenic.

Department of Neurology and Geriatrics, Kagoshima University Graduate School of Medical and Dental Sciences
Classification: Likely pathogenic for SCN4A-related non-dystrophic myotonia. Last evaluated: 2022-04-06. Review status: no assertion criteria provided. Collection method: research. Allele origin: germline. Affected: yes. Not counted in ClinVar's aggregate classification.

Literature cited by the submitters: PubMed 17212350 (cited by Labcorp Genetics (formerly Invitae), Labcorp).

NM_000334.4(SCN4A):c.4442C>A (p.Ala1481Asp)

Genes: GH-LCR (growth hormone locus control region; plus strand), SCN4A (sodium voltage-gated channel alpha subunit 4; minus strand). Cytogenetic location: 17q23.3.
Variant type: single nucleotide variant.
Coding change: c.4442C>A on transcript NM_000334.4 (MANE Select); coding-DNA position 4442, C replaced by A.
Protein change: p.Ala1481Asp; replaces alanine 1481 with aspartic acid.
Molecular consequence: missense variant.
Genome position (GRCh38, 1-based): chr17:63,941,840, G>T on the plus strand (C>A on the coding strand, the complement: SCN4A is on the minus strand). VCF-style: chr17-63941840-G-T. GRCh37 (hg19) VCF-style: chr17-62019200-G-T.
Other names: short protein forms A1481D.
Identifiers: ClinVar variation 576206 (VCV000576206.10), dbSNP rs763893717, ClinGen allele CA400616016.